The following is an entry in ClinVar:

NM_001145358.2(SIN3A):c.3025C>T (p.Gln1009Ter)

Gene: SIN3A (SIN3 transcription regulator family member A; minus strand). Cytogenetic location: 15q24.2.
Variant type: single nucleotide variant.
Coding change: c.3025C>T on transcript NM_001145358.2 (MANE Select); coding-DNA position 3025, C replaced by T.
Protein change: p.Gln1009Ter; replaces glutamine 1009 with a stop codon.
Molecular consequence: nonsense.
Genome position (GRCh38, 1-based): chr15:75,384,434, G>A on the plus strand (C>T on the coding strand, the complement: SIN3A is on the minus strand). VCF-style: chr15-75384434-G-A. GRCh37 (hg19) VCF-style: chr15-75676775-G-A.
Other names: 2498622; c.3025C>T, p.Gln1009Ter (NM_001145357.2, NM_015477.3); short protein forms Q1009*.
Identifiers: ClinVar variation 2498622 (VCV002498622.30), dbSNP rs2543035478, ClinGen allele CA393488143.

ClinVar aggregate classification (germline): Pathogenic. Review status: criteria provided, single submitter (1 of 4 stars). 2 submissions from 2 submitters: Pathogenic (1). 1 of the submissions does not count toward it. Last evaluated 2023-03-01.

Conditions:
SIN3A-related intellectual disability syndrome due to a point mutation. Also called: 15q24 Microdeletion Syndrome; WITTEVEEN-KOLK SYNDROME. Identifiers: Orphanet 500166, Orphanet 94065, MedGen C4310804, MONDO:0044700, OMIM 613406.

Submissions (2):

CeGaT Center for Human Genetics Tuebingen
Classification: Pathogenic. Last evaluated: 2023-03-01. Review status: criteria provided, single submitter. Criteria: CeGaT Center For Human Genetics Tuebingen Variant Classification Criteria Version 2. Collection method: clinical testing. Allele origin: germline. Affected: yes. Observed: 1 variant allele.
Comment: SIN3A: PVS1, PM2

St James's Hospital, Trinity College Dublin
No classification provided. Condition: SIN3A-related intellectual disability syndrome due to a point mutation. Review status: no classification provided. Collection method: phenotyping only. Allele origin: unknown. Affected: yes. Observed: 1 heterozygote. Not counted in ClinVar's aggregate classification.